The following is an entry in ClinVar:

NM_001394807.1(ADPRHL1):c.3825C>T (p.Ser1275=)

Gene: ADPRHL1 (ADP-ribosylhydrolase like 1; minus strand). Cytogenetic location: 13q34.
Variant type: single nucleotide variant.
Coding change: c.3825C>T on transcript NM_001394807.1 (MANE Select); coding-DNA position 3825, C replaced by T.
Protein change: p.Ser1275=; no amino-acid change (serine 1275 retained).
Molecular consequence: synonymous variant.
Genome position (GRCh38, 1-based): chr13:113,405,457, G>A on the plus strand (C>T on the coding strand, the complement: ADPRHL1 is on the minus strand). VCF-style: chr13-113405457-G-A. GRCh37 (hg19) VCF-style: chr13-114059772-G-A.
Other names: c.2733C>T, p.Ser911= (NM_001304433.1, NM_001375393.1).
Identifiers: ClinVar variation 2644003 (VCV002644003.24), dbSNP rs139448172, ClinGen allele CA257191227.

ClinVar aggregate classification (germline): Likely benign (1 of 4 stars; one submission).

Allele frequency attached by ClinVar (database versions not stated): TOPMed 0.00019; gnomAD 0.00029; 1000 Genomes Project 30x 0.00062; 1000 Genomes Project 0.00080.
gnomAD v4.1: 257 of 1,231,928 alleles (0.021%); highest among the groups gnomAD compares: Middle Eastern, 0.53%; 3 homozygotes.

Submission:

CeGaT Center for Human Genetics Tuebingen
Classification: Likely benign. Last evaluated: 2023-08-01. Review status: criteria provided, single submitter. Criteria: CeGaT Center For Human Genetics Tuebingen Variant Classification Criteria Version 2. Collection method: clinical testing. Allele origin: germline. Affected: yes. Observed: 2 variant alleles.
Comment: ADPRHL1: BP4, BP7